The following is an entry in ClinVar:

NM_000256.3(MYBPC3):c.145A>T (p.Ile49Phe)

Gene: MYBPC3 (myosin binding protein C3; minus strand). Cytogenetic location: 11p11.2.
Variant type: single nucleotide variant.
Coding change: c.145A>T on transcript NM_000256.3 (MANE Select); coding-DNA position 145, A replaced by T.
Protein change: p.Ile49Phe; replaces isoleucine 49 with phenylalanine.
Molecular consequence: missense variant.
Genome position (GRCh38, 1-based): chr11:47,351,386, T>A on the plus strand (A>T on the coding strand, the complement: MYBPC3 is on the minus strand). VCF-style: chr11-47351386-T-A. GRCh37 (hg19) VCF-style: chr11-47372937-T-A.
Other names: c.145A>T, p.Ile49Phe (LRG_386t1); short protein forms I49F.
Identifiers: ClinVar variation 626786 (VCV000626786.4), dbSNP rs760058908, ClinGen allele CA045280.
Genomic context (GRCh38, chr11:47,351,386, plus strand): 5'-GCACTGTCAGCGTATGCCGTGTGCCCTCTGTGGCCAGGCCGTACTTGTTGCTGGCGCTGA[T>A]GTCACTGCCTCCGCGCTGCCAGCGCACCTTCACTCCTGCCCGCTCTGTCTCGGCCTCGAA-3'
Protein context (NP_000247.2, residues 39-59): KVRWQRGGSD[Ile49Phe]SASNKYGLAT

ClinVar aggregate classification (germline): Uncertain significance. Review status: criteria provided, multiple submitters, no conflicts (2 of 4 stars). 2 submissions from 2 submitters: Uncertain significance (2). Last evaluated 2024-09-23.

Conditions:
Cardiomyopathy (CMYO). Also called: Cardiomyopathies. Identifiers: Orphanet 167848, MedGen C0878544, MONDO:0004994, HP:0001638. Inheritance: Various modes of inheritance.
Hypertrophic cardiomyopathy. Also called: HYPERTROPHIC MYOCARDIOPATHY. Identifiers: Orphanet 217569, MedGen C0007194, MeSH D002312, MONDO:0005045, HP:0001639.

Allele frequency attached by ClinVar (database versions not stated): gnomAD exomes 0.00001; ExAC 0.00003.
gnomAD v4.1: 8 of 1,609,602 alleles (0.0005%); highest among the groups gnomAD compares: South Asian, 0.0089%; no homozygotes.

Submissions (2):

All of Us Research Program, National Institutes of Health
Classification: Uncertain significance for Hypertrophic cardiomyopathy. Last evaluated: 2024-09-23. Review status: criteria provided, single submitter. Criteria: ACMG Guidelines, 2015. Collection method: clinical testing. Allele origin: germline. Inheritance: Autosomal dominant inheritance. Observed: 1 variant allele, 1 heterozygote.
Comment: This study involves interpretation of variants in research participants for the purpose of population health screening. Participant phenotype was not available at the time of variant classification. Additional details can be found in publication PMID: 35346344, PMCID: PMC8962531

CHEO Genetics Diagnostic Laboratory, Children's Hospital of Eastern Ontario
Classification: Uncertain significance for Cardiomyopathy. Last evaluated: 2019-11-20. Review status: criteria provided, single submitter. Criteria: ACMG Guidelines, 2015. Collection method: clinical testing. Allele origin: germline. Study: Canadian Open Genetics Repository.